The following is an entry in ClinVar:

ClinVar aggregate classification (germline): Likely benign (1 of 4 stars; one submission).

Allele frequency attached by ClinVar (database versions not stated): 1000 Genomes Project 30x 0.00219; 1000 Genomes Project 0.00220; gnomAD 0.00309 and 0.00336; ESP Exome Variant Server 0.00316; gnomAD exomes 0.00347; TOPMed 0.00412; ExAC 0.00591.
gnomAD v4.1: 7,562 of 1,597,992 alleles (0.47%); highest among the groups gnomAD compares: Non-Finnish European, 0.57%; 24 homozygotes.

Submission:

CeGaT Center for Human Genetics Tuebingen
Classification: Likely benign. Last evaluated: 2026-05-01. Review status: criteria provided, single submitter. Criteria: CeGaT Center For Human Genetics Tuebingen Variant Classification Criteria Version 2. Collection method: clinical testing. Allele origin: germline. Affected: yes. Observed: 21 variant alleles.
Comment: CDK10: BP4, BS2

NM_052988.5(CDK10):c.1073G>A (p.Cys358Tyr)

Gene: CDK10 (cyclin dependent kinase 10; plus strand). Cytogenetic location: 16q24.3.
Variant type: single nucleotide variant.
Coding change: c.1073G>A on transcript NM_052988.5 (MANE Select); coding-DNA position 1073, G replaced by A.
Protein change: p.Cys358Tyr; replaces cysteine 358 with tyrosine.
Molecular consequence: missense variant. On other transcripts: non-coding transcript variant (1), intron variant (1).
Genome position (GRCh38, 1-based): chr16:89,695,682, G>A. VCF-style: chr16-89695682-G-A. GRCh37 (hg19) VCF-style: chr16-89762090-G-A.
Other names: c.842G>A, p.Cys281Tyr (NM_001098533.3); c.860G>A, p.Cys287Tyr (NM_001160367.2); c.773-47G>A (NM_052987.4); short protein forms C281Y, C287Y, C358Y.
Identifiers: ClinVar variation 1694808 (VCV001694808.31), dbSNP rs56242003, ClinGen allele CA8248331.
Genomic context (GRCh38, chr16:89,695,682, plus strand): 5'-TTCCCCACCACCGCAACAAGCGGGCCGCCCCAGCCACCTCCGAGGGCCAGAGCAAGCGCT[G>A]TAAACCCTGACGGTGGGCCTGGCACACGCCTGTATTCCCACACCAGGTCTTCCGATCAGT-3'
Protein context (NP_443714.3, residues 348-360): PATSEGQSKR[Cys358Tyr]KP